The following is an entry in ClinVar:

NM_005076.5(CNTN2):c.2026A>G (p.Thr676Ala)

Gene: CNTN2 (contactin 2; plus strand). Cytogenetic location: 1q32.1.
Variant type: single nucleotide variant.
Coding change: c.2026A>G on transcript NM_005076.5 (MANE Select); coding-DNA position 2026, A replaced by G.
Protein change: p.Thr676Ala; replaces threonine 676 with alanine.
Molecular consequence: missense variant. On other transcripts: non-coding transcript variant (1).
Genome position (GRCh38, 1-based): chr1:205,067,151, A>G. VCF-style: chr1-205067151-A-G. GRCh37 (hg19) VCF-style: chr1-205036279-A-G.
Other names: c.2026A>G, p.Thr676Ala (NM_001346083.2); short protein forms T676A.
Identifiers: ClinVar variation 639668 (VCV000639668.8), dbSNP rs1574655799, ClinGen allele CA344376798.

ClinVar aggregate classification (germline): Uncertain significance (1 of 4 stars; one submission).

Conditions:
Epilepsy, familial adult myoclonic, 5 (EPEO5). Also called: CORTICAL MYOCLONIC TREMOR WITH EPILEPSY, FAMILIAL, 5. Identifiers: Orphanet 86814, MedGen C3809374, MONDO:0014167, OMIM 615400.

Submission:

Labcorp Genetics (formerly Invitae), Labcorp
Classification: Uncertain significance for Epilepsy, familial adult myoclonic, 5. Last evaluated: 2018-08-07. Review status: criteria provided, single submitter. Criteria: Invitae Variant Classification Sherloc (09022015). Collection method: clinical testing. Allele origin: germline.
Comment: This variant is not present in population databases (ExAC no frequency). This sequence change replaces threonine with alanine at codon 676 of the CNTN2 protein (p.Thr676Ala). The threonine residue is moderately conserved and there is a small physicochemical difference between threonine and alanine. This variant has not been reported in the literature in individuals with CNTN2-related disease. In summary, the available evidence is currently insufficient to determine the role of this variant in disease. Therefore, it has been classified as a Variant of Uncertain Significance. Algorithms developed to predict the effect of missense changes on protein structure and function (SIFT, PolyPhen-2, Align-GVGD) all suggest that this variant is likely to be tolerated, but these predictions have not been confirmed by published functional studies and their clinical significance is uncertain.